The following is an entry in ClinVar:

ClinVar aggregate classification (germline): Uncertain significance (1 of 4 stars; one submission).

Submission:

Labcorp Genetics (formerly Invitae), Labcorp
Classification: Uncertain significance. Last evaluated: 2025-12-24. Review status: criteria provided, single submitter. Criteria: Invitae Variant Classification Sherloc (09022015). Collection method: clinical testing. Allele origin: germline.
Comment: This sequence change replaces proline, which is neutral and non-polar, with threonine, which is neutral and polar, at codon 298 of the ENPP1 protein (p.Pro298Thr). This variant is present in population databases (no rsID available, gnomAD 0.007%). This variant has not been reported in the literature in individuals affected with ENPP1-related conditions. Invitae Evidence Modeling of protein sequence and biophysical properties (such as structural, functional, and spatial information, amino acid conservation, physicochemical variation, residue mobility, and thermodynamic stability) has been performed for this missense variant. However, the output from this modeling did not meet the statistical confidence thresholds required to predict the impact of this variant on ENPP1 protein function. In summary, the available evidence is currently insufficient to determine the role of this variant in disease. Therefore, it has been classified as a Variant of Uncertain Significance.

NM_006208.3(ENPP1):c.892C>A (p.Pro298Thr)

Gene: ENPP1 (ectonucleotide pyrophosphatase/phosphodiesterase 1; plus strand). Cytogenetic location: 6q23.2.
Variant type: single nucleotide variant.
Coding change: c.892C>A on transcript NM_006208.3 (MANE Select); coding-DNA position 892, C replaced by A.
Protein change: p.Pro298Thr; replaces proline 298 with threonine.
Molecular consequence: missense variant.
Genome position (GRCh38, 1-based): chr6:131,860,483, C>A. VCF-style: chr6-131860483-C-A. GRCh37 (hg19) VCF-style: chr6-132181623-C-A.
Other names: short protein forms P298T.
Identifiers: ClinVar variation 4693674 (VCV004693674.1).